The following is an entry in ClinVar:

ClinVar aggregate classification (germline): Uncertain significance (1 of 4 stars; one submission).

Conditions:
Hereditary cancer-predisposing syndrome. Also called: Neoplastic Syndromes, Hereditary; Tumor predisposition; Hereditary Cancer Syndrome; Hereditary neoplastic syndrome. Identifiers: Orphanet 140162, MedGen C0027672, MeSH D009386, MONDO:0015356.

Submission:

Ambry Genetics
Classification: Uncertain significance for Hereditary cancer-predisposing syndrome. Last evaluated: 2025-12-22. Review status: criteria provided, single submitter. Criteria: Ambry Variant Classification Scheme 2023. Collection method: clinical testing. Allele origin: germline.
Comment: The p.Q1336K variant (also known as c.4006C>A), located in coding exon 27 of the ALK gene, results from a C to A substitution at nucleotide position 4006. The glutamine at codon 1336 is replaced by lysine, an amino acid with similar properties. This amino acid position is conserved. In addition, the in silico prediction for this alteration is inconclusive. Based on the available evidence, the clinical significance of this variant remains unclear.

NM_004304.5(ALK):c.4006C>A (p.Gln1336Lys)

Gene: ALK (ALK receptor tyrosine kinase; minus strand). Cytogenetic location: 2p23.2.
Variant type: single nucleotide variant.
Coding change: c.4006C>A on transcript NM_004304.5 (MANE Select); coding-DNA position 4006, C replaced by A.
Protein change: p.Gln1336Lys; replaces glutamine 1336 with lysine.
Molecular consequence: missense variant.
Genome position (GRCh38, 1-based): chr2:29,197,609, G>T on the plus strand (C>A on the coding strand, the complement: ALK is on the minus strand). VCF-style: chr2-29197609-G-T. GRCh37 (hg19) VCF-style: chr2-29420475-G-T.
Other names: c.802C>A, p.Gln268Lys (NM_001353765.2); short protein forms Q1336K, Q268K.
Identifiers: ClinVar variation 4843248 (VCV004843248.1).